The following is an entry in ClinVar:

NM_001165963.4(SCN1A):c.1465T>A (p.Leu489Met)

Gene: SCN1A (sodium voltage-gated channel alpha subunit 1; minus strand). Cytogenetic location: 2q24.3.
Variant type: single nucleotide variant.
Coding change: c.1465T>A on transcript NM_001165963.4 (MANE Select); coding-DNA position 1465, T replaced by A.
Protein change: p.Leu489Met; replaces leucine 489 with methionine.
Molecular consequence: missense variant. On other transcripts: 5 prime UTR variant (1), non-coding transcript variant (1).
Genome position (GRCh38, 1-based): chr2:166,045,240, A>T on the plus strand (T>A on the coding strand, the complement: SCN1A is on the minus strand). VCF-style: chr2-166045240-A-T. GRCh37 (hg19) VCF-style: chr2-166901750-A-T.
Other names: c.1465T>A, p.Leu489Met (NM_001165964.3, NM_001202435.3, NM_001353948.2 and 7 more transcripts); c.1462T>A, p.Leu488Met (NM_001353954.2, NM_001353955.2, NM_001353960.2); c.-961T>A (NM_001353961.2); short protein forms L488M, L489M.
Identifiers: ClinVar variation 4771223 (VCV004771223.1).

ClinVar aggregate classification (germline): Uncertain significance (1 of 4 stars; one submission).

Conditions:
Early-infantile DEE. Also called: Early infantile epileptic encephalopathy; Ohtahara syndrome; Early infantile epileptic encephalopathy with suppression bursts. Identifiers: Orphanet 1934, MedGen C0393706, MONDO:0800491.

Submission:

Labcorp Genetics (formerly Invitae), Labcorp
Classification: Uncertain significance for Early-infantile DEE. Last evaluated: 2025-10-28. Review status: criteria provided, single submitter. Criteria: Invitae Variant Classification Sherloc (09022015). Collection method: clinical testing. Allele origin: germline.
Comment: This sequence change replaces leucine, which is neutral and non-polar, with methionine, which is neutral and non-polar, at codon 489 of the SCN1A protein (p.Leu489Met). This variant is not present in population databases (gnomAD no frequency). This variant has not been reported in the literature in individuals affected with SCN1A-related conditions. Invitae Evidence Modeling of protein sequence and biophysical properties (such as structural, functional, and spatial information, amino acid conservation, physicochemical variation, residue mobility, and thermodynamic stability) indicates that this missense variant is not expected to disrupt SCN1A protein function with a negative predictive value of 95%. In summary, the available evidence is currently insufficient to determine the role of this variant in disease. Therefore, it has been classified as a Variant of Uncertain Significance.